The following is an entry in ClinVar:

ClinVar aggregate classification (germline): Likely benign (1 of 4 stars; one submission).

Allele frequency attached by ClinVar (database versions not stated): gnomAD exomes 0.00001.
gnomAD v4.1: 8 of 1,612,116 alleles (0.0005%); highest among the groups gnomAD compares: Non-Finnish European, 0.00068%; no homozygotes.

Submission:

GeneDx
Classification: Likely benign. Last evaluated: 2016-05-26. Review status: criteria provided, single submitter. Criteria: GeneDx Variant Classification (06012015). Collection method: clinical testing. Allele origin: germline. Affected: yes.
Comment: This variant is considered likely benign or benign based on one or more of the following criteria: it is a conservative change, it occurs at a poorly conserved position in the protein, it is predicted to be benign by multiple in silico algorithms, and/or has population frequency not consistent with disease.

NM_001875.5(CPS1):c.1878G>T (p.Val626=)

Gene: CPS1 (carbamoyl-phosphate synthase 1; plus strand). Cytogenetic location: 2q34.
Variant type: single nucleotide variant.
Coding change: c.1878G>T on transcript NM_001875.5 (MANE Select); coding-DNA position 1878, G replaced by T.
Protein change: p.Val626=; no amino-acid change (valine 626 retained).
Molecular consequence: synonymous variant. On other transcripts: non-coding transcript variant (2).
Genome position (GRCh38, 1-based): chr2:210,605,143, G>T. VCF-style: chr2-210605143-G-T. GRCh37 (hg19) VCF-style: chr2-211469867-G-T.
Other names: c.1878G>T (LRG_336t1); c.1878G>T, p.Val626= (NM_001122633.3, NM_001369257.1); c.1911G>T, p.Val637= (NM_001369256.1).
Identifiers: ClinVar variation 386613 (VCV000386613.1), dbSNP rs1057522548, ClinGen allele CA16604037.
Genomic context (GRCh38, chr2:210,605,143, plus strand): 5'-TTTTGTCACCAATTTCTAGGCCTTTGCTATGACCAACCAAATTCTGGTGGAGAAGTCAGT[G>T]ACAGGTTGGAAAGAAATAGAATATGAAGTGGTTCGAGATGCTGATGACAATTGTGTCACT-3'
Protein context (NP_001866.2, residues 616-636): MTNQILVEKS[Val626=]TGWKEIEYEV